The following is an entry in ClinVar:

ClinVar aggregate classification (germline): Uncertain significance (1 of 4 stars; one submission).

Allele frequency attached by ClinVar (database versions not stated): gnomAD 0.00001; gnomAD exomes 0.00001; TOPMed 0.00001.
gnomAD v4.1: 11 of 1,613,946 alleles (0.00068%); highest among the groups gnomAD compares: African/African-American, 0.0013%; no homozygotes.

Submission:

Labcorp Genetics (formerly Invitae), Labcorp
Classification: Uncertain significance. Last evaluated: 2021-09-01. Review status: criteria provided, single submitter. Criteria: Invitae Variant Classification Sherloc (09022015). Collection method: clinical testing. Allele origin: germline.
Comment: This sequence change replaces methionine with isoleucine at codon 4276 of the USH2A protein (p.Met4276Ile). The methionine residue is weakly conserved and there is a small physicochemical difference between methionine and isoleucine. This variant is not present in population databases (ExAC no frequency). This variant has not been reported in the literature in individuals affected with USH2A-related conditions. Algorithms developed to predict the effect of missense changes on protein structure and function (SIFT, PolyPhen-2, Align-GVGD) all suggest that this variant is likely to be tolerated. In summary, the available evidence is currently insufficient to determine the role of this variant in disease. Therefore, it has been classified as a Variant of Uncertain Significance.

NM_206933.4(USH2A):c.12828G>A (p.Met4276Ile)

Gene: USH2A (usherin; minus strand). Cytogenetic location: 1q41.
Variant type: single nucleotide variant.
Coding change: c.12828G>A on transcript NM_206933.4 (MANE Select); coding-DNA position 12828, G replaced by A.
Protein change: p.Met4276Ile; replaces methionine 4276 with isoleucine.
Molecular consequence: missense variant.
Genome position (GRCh38, 1-based): chr1:215,675,083, C>T on the plus strand (G>A on the coding strand, the complement: USH2A is on the minus strand). VCF-style: chr1-215675083-C-T. GRCh37 (hg19) VCF-style: chr1-215848425-C-T.
Other names: short protein forms M4276I.
Identifiers: ClinVar variation 1015904 (VCV001015904.2), dbSNP rs1174250569, ClinGen allele CA344848881.